The following is an entry in ClinVar:

NM_006231.4(POLE):c.5256C>A (p.Asp1752Glu)

Gene: POLE (DNA polymerase epsilon, catalytic subunit; minus strand). Cytogenetic location: 12q24.33.
Variant type: single nucleotide variant.
Coding change: c.5256C>A on transcript NM_006231.4 (MANE Select); coding-DNA position 5256, C replaced by A.
Protein change: p.Asp1752Glu; replaces aspartic acid 1752 with glutamic acid.
Molecular consequence: missense variant.
Genome position (GRCh38, 1-based): chr12:132,641,769, G>T on the plus strand (C>A on the coding strand, the complement: POLE is on the minus strand). VCF-style: chr12-132641769-G-T. GRCh37 (hg19) VCF-style: chr12-133218355-G-T.
Other names: short protein forms D1752E.
Identifiers: ClinVar variation 2831771 (VCV002831771.3), dbSNP rs2138525254, ClinGen allele CA387376301.

ClinVar aggregate classification (germline): Uncertain significance (1 of 4 stars; one submission).

gnomAD v4.1: 1 of 1,610,204 alleles (0.000062%); no homozygotes.

Submission:

Labcorp Genetics (formerly Invitae), Labcorp
Classification: Uncertain significance. Last evaluated: 2026-01-01. Review status: criteria provided, single submitter. Criteria: Invitae Variant Classification Sherloc (09022015). Collection method: clinical testing. Allele origin: germline.
Comment: This sequence change replaces aspartic acid, which is acidic and polar, with glutamic acid, which is acidic and polar, at codon 1752 of the POLE protein (p.Asp1752Glu). This variant is not present in population databases (gnomAD no frequency). This variant has not been reported in the literature in individuals affected with POLE-related conditions. ClinVar contains an entry for this variant (Variation ID: 2831771). Invitae Evidence Modeling of protein sequence and biophysical properties (such as structural, functional, and spatial information, amino acid conservation, physicochemical variation, residue mobility, and thermodynamic stability) indicates that this missense variant is not expected to disrupt POLE protein function with a negative predictive value of 80%. In summary, the available evidence is currently insufficient to determine the role of this variant in disease. Therefore, it has been classified as a Variant of Uncertain Significance.